The following is an entry in ClinVar:

NM_001378778.1(MPDZ):c.5759C>A (p.Ser1920Tyr)

Gene: MPDZ (multiple PDZ domain crumbs cell polarity complex component; minus strand). Cytogenetic location: 9p23.
Variant type: single nucleotide variant.
Coding change: c.5759C>A on transcript NM_001378778.1 (MANE Select); coding-DNA position 5759, C replaced by A.
Protein change: p.Ser1920Tyr; replaces serine 1920 with tyrosine.
Molecular consequence: missense variant.
Genome position (GRCh38, 1-based): chr9:13,110,706, G>T on the plus strand (C>A on the coding strand, the complement: MPDZ is on the minus strand). VCF-style: chr9-13110706-G-T. GRCh37 (hg19) VCF-style: chr9-13110705-G-T.
Other names: c.5660C>A, p.Ser1887Tyr (NM_001261406.2, NM_001375416.1, NM_001375417.1 and 1 more transcripts); c.5573C>A, p.Ser1858Tyr (NM_001261407.2, NM_001375419.1); c.5759C>A, p.Ser1920Tyr (NM_001330637.2); c.5858C>A, p.Ser1953Tyr (NM_001375413.1); c.5549C>A, p.Ser1850Tyr (NM_001375420.1, NM_001375421.1, NM_001375422.1 and 2 more transcripts); c.5462C>A, p.Ser1821Tyr (NM_001375425.1, NM_001375426.1); c.5351C>A, p.Ser1784Tyr (NM_001375427.1); c.5672C>A, p.Ser1891Tyr (NM_003829.5); and 1 more; short protein forms S1858Y, S1920Y, S1821Y, S1850Y, S1891Y, S1953Y, S1887Y, S1784Y.
Identifiers: ClinVar variation 1470704 (VCV001470704.4), dbSNP rs200411759, ClinGen allele CA4986123.

ClinVar aggregate classification (germline): Uncertain significance. Review status: criteria provided, multiple submitters, no conflicts (2 of 4 stars). 2 submissions from 2 submitters: Uncertain significance (2). Last evaluated 2024-01-27.

Allele frequency attached by ClinVar (database versions not stated): gnomAD exomes 0.00007 and 0.00010; ExAC 0.00008; ESP Exome Variant Server 0.00008; TOPMed 0.00012; gnomAD 0.00014.
gnomAD v4.1: 122 of 1,613,620 alleles (0.0076%); highest among the groups gnomAD compares: Middle Eastern, 0.016%; no homozygotes.

Submissions (2):

GeneDx
Classification: Uncertain significance. Last evaluated: 2024-01-27. Review status: criteria provided, single submitter. Criteria: GeneDx Variant Classification Process June 2021. Collection method: clinical testing. Allele origin: germline. Affected: yes.
Comment: In silico analysis supports that this missense variant has a deleterious effect on protein structure/function; Has not been previously published as pathogenic or benign to our knowledge

Labcorp Genetics (formerly Invitae), Labcorp
Classification: Uncertain significance. Last evaluated: 2022-06-27. Review status: criteria provided, single submitter. Criteria: Invitae Variant Classification Sherloc (09022015). Collection method: clinical testing. Allele origin: germline.
Comment: This sequence change replaces serine, which is neutral and polar, with tyrosine, which is neutral and polar, at codon 1891 of the MPDZ protein (p.Ser1891Tyr). This variant is present in population databases (rs200411759, gnomAD 0.2%). This variant has not been reported in the literature in individuals affected with MPDZ-related conditions. Algorithms developed to predict the effect of missense changes on protein structure and function (SIFT, PolyPhen-2, Align-GVGD) all suggest that this variant is likely to be disruptive. In summary, the available evidence is currently insufficient to determine the role of this variant in disease. Therefore, it has been classified as a Variant of Uncertain Significance.